The following is an entry in ClinVar:

NM_001005273.3(CHD3):c.5642G>T (p.Arg1881Leu)

Gene: CHD3 (chromodomain helicase DNA binding protein 3; plus strand). Cytogenetic location: 17p13.1.
Variant type: single nucleotide variant.
Coding change: c.5642G>T on transcript NM_001005273.3 (MANE Select); coding-DNA position 5642, G replaced by T.
Protein change: p.Arg1881Leu; replaces arginine 1881 with leucine.
Molecular consequence: missense variant.
Genome position (GRCh38, 1-based): chr17:7,910,479, G>T. VCF-style: chr17-7910479-G-T. GRCh37 (hg19) VCF-style: chr17-7813797-G-T.
Other names: c.5819G>T, p.Arg1940Leu (NM_001005271.3); c.5540G>T, p.Arg1847Leu (NM_005852.4); short protein forms R1881L, R1847L, R1940L.
Identifiers: ClinVar variation 549748 (VCV000549748.2), dbSNP rs1567877108, ClinGen allele CA397950756.

ClinVar aggregate classification (germline): Likely pathogenic. Review status: criteria provided, single submitter (1 of 4 stars). 2 submissions from 2 submitters: Likely pathogenic (1). 1 of the submissions does not count toward it. Last evaluated 2019-02-19.

Conditions:
Snijders Blok-Campeau syndrome. Also called: INTELLECTUAL DEVELOPMENTAL DISORDER WITH MACROCEPHALY, SPEECH DELAY, AND DYSMORPHIC FACIES. Identifiers: Orphanet 599082, MedGen C4748701, MONDO:0032600, OMIM 618205.
Intellectual disability. Also called: Intellectual functioning disability; intellectual disabilities; Intellectual developmental disorder. Identifiers: MedGen C3714756, MeSH D008607, MONDO:0001071, HP:0001249.

Submissions (2):

SIB Swiss Institute of Bioinformatics
Classification: Likely pathogenic for Snijders Blok-Campeau syndrome. Last evaluated: 2019-02-19. Review status: criteria provided, single submitter. Criteria: ACMG Guidelines, 2015. Collection method: curation. Allele origin: unknown.
Comment: This variant is interpreted as a a Likely pathogenic for Snijders Blok-Campeau syndrome, autosomal dominant. The following ACMG Tag(s) were applied: PM2 : Absent from controls (or at extremely low frequency if recessive) in Exome Sequencing Project, 1000 Genomes Project, or Exome Aggregation Consortium. PM6 : Assumed de novo, but without confirmation of paternity and maternity (PMID:30397230). PP2 : Missense variant in a gene that has a low rate of benign missense variation and in which missense variants are a common mechanism of disease. PP3 : Multiple lines of computational evidence support a deleterious effect on the gene or gene product.

CHU Sainte-Justine Research Center, University of Montreal
Classification: Likely pathogenic for Intellectual disability. Last evaluated: 2018-05-03. Review status: no assertion criteria provided. Collection method: research. Allele origin: germline. Affected: yes. Not counted in ClinVar's aggregate classification.

Literature cited by the submitters: PubMed 30397230 (cited by SIB Swiss Institute of Bioinformatics).